The following is an entry in ClinVar:

NM_002857.4(PEX19):c.261C>T (p.Phe87=)

Gene: PEX19 (peroxisomal biogenesis factor 19; minus strand). Cytogenetic location: 1q23.2.
Variant type: single nucleotide variant.
Coding change: c.261C>T on transcript NM_002857.4 (MANE Select); coding-DNA position 261, C replaced by T.
Protein change: p.Phe87=; no amino-acid change (phenylalanine 87 retained).
Molecular consequence: synonymous variant. On other transcripts: non-coding transcript variant (2).
Genome position (GRCh38, 1-based): chr1:160,283,029, G>A on the plus strand (C>T on the coding strand, the complement: PEX19 is on the minus strand). VCF-style: chr1-160283029-G-A. GRCh37 (hg19) VCF-style: chr1-160252819-G-A.
Other names: c.261C>T, p.Phe87= (NM_001193644.1).
Identifiers: ClinVar variation 284050 (VCV000284050.28), dbSNP rs146644725, ClinGen allele CA1197426.

ClinVar aggregate classification (germline): Conflicting classifications of pathogenicity. Review status: criteria provided, conflicting classifications (1 of 4 stars). 6 submissions from 6 submitters: Uncertain significance (1); Benign (1); Likely benign (3). 1 of the submissions does not count toward it. Last evaluated 2026-06-01.

Conditions:
PEX19-related disorder. Also called: PEX19-related condition.
Peroxisome biogenesis disorder 12A (Zellweger). Also called: Peroxisome biogenesis disorder 12A. Identifiers: Orphanet 912, MedGen C3554002, MONDO:0013951, OMIM 614886.

Allele frequency attached by ClinVar (database versions not stated): 1000 Genomes Project 30x 0.00094; 1000 Genomes Project 0.00120; ExAC 0.00174; gnomAD exomes 0.00185; gnomAD 0.00206; ESP Exome Variant Server 0.00208; TOPMed 0.00221.
gnomAD v4.1: 5,039 of 1,614,122 alleles (0.31%); highest among the groups gnomAD compares: Non-Finnish European, 0.39%; 8 homozygotes.

Submissions (6):

CeGaT Center for Human Genetics Tuebingen
Classification: Likely benign. Last evaluated: 2026-06-01. Review status: criteria provided, single submitter. Criteria: CeGaT Center For Human Genetics Tuebingen Variant Classification Criteria Version 2. Collection method: clinical testing. Allele origin: germline. Affected: yes. Observed: 3 variant alleles.
Comment: PEX19: BP4, BP7

Labcorp Genetics (formerly Invitae), Labcorp
Classification: Benign for Peroxisome biogenesis disorder 12A (Zellweger). Last evaluated: 2026-02-04. Review status: criteria provided, single submitter. Criteria: Invitae Variant Classification Sherloc (09022015). Collection method: clinical testing. Allele origin: germline.

Blueprint Genetics
Classification: Likely benign. Last evaluated: 2024-11-20. Review status: criteria provided, single submitter. Criteria: ACMG Guidelines, 2015. Collection method: clinical testing. Allele origin: germline.

Illumina Laboratory Services, Illumina
Classification: Uncertain significance for Peroxisome biogenesis disorder 12A (Zellweger). Last evaluated: 2018-01-12. Review status: criteria provided, single submitter. Criteria: ICSL Variant Classification Criteria 13 December 2019. Collection method: clinical testing. Allele origin: germline.

Eurofins Ntd Llc (ga)
Classification: Likely benign. Last evaluated: 2015-10-23. Review status: criteria provided, single submitter. Criteria: EGL Classification Definitions 2015. Collection method: clinical testing. Allele origin: germline. Observed: 1 variant allele, 1 heterozygote.

PreventionGenetics, part of Exact Sciences
Classification: Likely benign for PEX19-related condition. Last evaluated: 2020-01-21. Review status: no assertion criteria provided. Collection method: clinical testing. Allele origin: germline. Not counted in ClinVar's aggregate classification.
Comment: This variant is classified as likely benign based on ACMG/AMP sequence variant interpretation guidelines (Richards et al. 2015 PMID: 25741868, with internal and published modifications).